The following is an entry in ClinVar:

ClinVar aggregate classification (germline): Uncertain significance (1 of 4 stars; one submission).

Submission:

Ambry Genetics
Classification: Uncertain significance. Last evaluated: 2024-02-11. Review status: criteria provided, single submitter. Criteria: Ambry Variant Classification Scheme 2023. Collection method: clinical testing. Allele origin: germline.
Comment: The p.L422P variant (also known as c.1265T>C), located in coding exon 12 of the PRKDC gene, results from a T to C substitution at nucleotide position 1265. The leucine at codon 422 is replaced by proline, an amino acid with similar properties. This amino acid position is conserved. In addition, the in silico prediction for this alteration is inconclusive. Based on the available evidence, the clinical significance of this alteration remains unclear.

NM_006904.7(PRKDC):c.1265T>C (p.Leu422Pro)

Gene: PRKDC (protein kinase, DNA-activated, catalytic subunit; minus strand). Cytogenetic location: 8q11.21.
Variant type: single nucleotide variant.
Coding change: c.1265T>C on transcript NM_006904.7 (MANE Select); coding-DNA position 1265, T replaced by C.
Protein change: p.Leu422Pro; replaces leucine 422 with proline.
Molecular consequence: missense variant.
Genome position (GRCh38, 1-based): chr8:47,936,366, A>G on the plus strand (T>C on the coding strand, the complement: PRKDC is on the minus strand). VCF-style: chr8-47936366-A-G. GRCh37 (hg19) VCF-style: chr8-48848926-A-G.
Other names: c.1265T>C, p.Leu422Pro (NM_001081640.2); short protein forms L422P.
Identifiers: ClinVar variation 3225736 (VCV003225736.1), dbSNP rs2551879712, ClinGen allele CA371166065.